The following is an entry in ClinVar:

ClinVar aggregate classification (germline): Benign (1 of 4 stars; one submission).

Conditions:
Parietal foramina 2 (PFM2). Identifiers: Orphanet 60015, MedGen C1865044, MONDO:0012309, OMIM 609597.

Allele frequency attached by ClinVar (database versions not stated): 1000 Genomes Project 0.00060; 1000 Genomes Project 30x 0.00094; gnomAD 0.00129 and 0.00135; TOPMed 0.00159.

Submission:

Illumina Laboratory Services, Illumina
Classification: Benign for Parietal foramina 2. Last evaluated: 2018-01-13. Review status: criteria provided, single submitter. Criteria: ICSL Variant Classification Criteria 13 December 2019. Collection method: clinical testing. Allele origin: germline.
Comment: This variant was observed in the ICSL laboratory as part of a predisposition screen in an ostensibly healthy population. It had not been previously curated by ICSL or reported in the Human Gene Mutation Database (HGMD: prior to June 1st, 2018), and was therefore a candidate for classification through an automated scoring system. Utilizing variant allele frequency, disease prevalence and penetrance estimates, and inheritance mode, an automated score was calculated to assess if this variant is too frequent to cause the disease. Based on the score and internal cut-off values, a variant classified as benign is not then subjected to further curation. The score for this variant resulted in a classification of benign for this disease.

NM_021926.4(ALX4):c.*1088G>A

Gene: ALX4 (ALX homeobox 4; minus strand). Cytogenetic location: 11p11.2.
Variant type: single nucleotide variant.
Coding change: c.*1088G>A on transcript NM_021926.4 (MANE Select); 1088 bases downstream of the stop codon, G replaced by A.
Molecular consequence: 3 prime UTR variant.
Genome position (GRCh38, 1-based): chr11:44,263,766, C>T on the plus strand (G>A on the coding strand, the complement: ALX4 is on the minus strand). VCF-style: chr11-44263766-C-T. GRCh37 (hg19) VCF-style: chr11-44285316-C-T.
Other names: c.*1088G>A (LRG_1256t1).
Identifiers: ClinVar variation 304669 (VCV000304669.5), dbSNP rs149094042, ClinGen allele CA10630889.
Genomic context (GRCh38, chr11:44,263,766, plus strand): 5'-GGGCCTGGAGGCCGAGCATGGCCACACGTCCTCTAGCAAAGCCTGCACGCAGCTTTTGAC[C>T]CTCTGCCACCCGGCCCCCAAGCTCTAGCTTATGTGTTCCGAAGTTGTGAGTCCTTCCATG-3'